The following is an entry in ClinVar:

NM_000522.5(HOXA13):c.357_386del (p.Ala124_Ala133del)

Genes: HOXA13 (homeobox A13; minus strand), LOC107126288 (NUP98-HOXA13 recombination region; plus strand). Cytogenetic location: 7p15.2.
Variant type: Deletion.
Coding change: c.357_386del on transcript NM_000522.5 (MANE Select); coding-DNA positions 357 to 386, 30 bases deleted (TGCTGCCGCGGCTGCCGCTGCAGCCGCCGC).
Protein change: p.Ala124_Ala133del.
Molecular consequence: inframe deletion.
Genome position (GRCh38, 1-based): chr7:27,199,692-27,199,721, GCGGCGGCTGCAGCGGCAGCCGCGGCAGCA deleted on the plus strand (TGCTGCCGCGGCTGCCGCTGCAGCCGCCGC on the coding strand, the reverse complement: HOXA13 is on the minus strand); deleting any 30 consecutive bases within chr7:27,199,692-27,199,729 gives the same sequence; the c. name uses the placement nearest the transcript's 3' end. VCF-style (leftmost placement, unchanged base first): chr7-27199691-GGCGGCGGCTGCAGCGGCAGCCGCGGCAGCA-G. GRCh37 (hg19) VCF-style: chr7-27239310-GGCGGCGGCTGCAGCGGCAGCCGCGGCAGCA-G.
Other names: c.357_386del (NM_000522.4).
Identifiers: ClinVar variation 770934 (VCV000770934.18), dbSNP rs34856009, ClinGen allele CA155875467.
Genomic context (GRCh38, chr7:27,199,691, plus strand): 5'-GGCCTCTGCGCCCGCCGGGCCCGCCGGGCCGGGACCTCCCGAGGACGACGCGGCGGCGGC[GGCGGCGGCTGCAGCGGCAGCCGCGGCAGCA>G]GCGGCGGCAGCCGACGGGGGCGCCTCCCCGGGGGCGCTGCTGTAGGCGGACGCGGCTCCT-3'

ClinVar aggregate classification (germline): Benign/Likely benign. Review status: criteria provided, multiple submitters, no conflicts (2 of 4 stars). 3 submissions from 3 submitters: Benign (1); Likely benign (2). Last evaluated 2026-01-31.

Submissions (3):

Labcorp Genetics (formerly Invitae), Labcorp
Classification: Likely benign. Last evaluated: 2026-01-31. Review status: criteria provided, single submitter. Criteria: Invitae Variant Classification Sherloc (09022015). Collection method: clinical testing. Allele origin: germline.

CeGaT Center for Human Genetics Tuebingen
Classification: Benign. Last evaluated: 2025-07-01. Review status: criteria provided, single submitter. Criteria: CeGaT Center For Human Genetics Tuebingen Variant Classification Criteria Version 2. Collection method: clinical testing. Allele origin: germline. Affected: yes. Observed: 1 variant allele.
Comment: HOXA13: BS1, BS2

Blueprint Genetics
Classification: Likely benign. Last evaluated: 2024-11-21. Review status: criteria provided, single submitter. Criteria: ACMG Guidelines, 2015. Collection method: clinical testing. Allele origin: germline.